The following is an entry in ClinVar:

ClinVar aggregate classification (germline): Uncertain significance (1 of 4 stars; one submission).

Submission:

GeneDx
Classification: Uncertain significance. Last evaluated: 2023-02-15. Review status: criteria provided, single submitter. Criteria: GeneDx Variant Classification Process June 2021. Collection method: clinical testing. Allele origin: germline. Affected: yes.
Comment: Not observed at significant frequency in large population cohorts (gnomAD); In silico analysis supports that this missense variant has a deleterious effect on protein structure/function; Has not been previously published as pathogenic or benign to our knowledge; Variants in candidate genes are classified as variants of uncertain significance in accordance with ACMG guidelines (Richards et al., 2015)

NM_006178.4(NSF):c.1361A>G (p.Asn454Ser)

Genes: LRRC37A2 (leucine rich repeat containing 37 member A2), NSF (N-ethylmaleimide sensitive factor, vesicle fusing ATPase; plus strand). Cytogenetic location: 17q21.31.
Variant type: single nucleotide variant.
Coding change: c.1361A>G on transcript NM_006178.4 (MANE Select); coding-DNA position 1361, A replaced by G.
Protein change: p.Asn454Ser; replaces asparagine 454 with serine.
Molecular consequence: missense variant. On other transcripts: non-coding transcript variant (1).
Genome position (GRCh38, 1-based): chr17:46,694,649, A>G. VCF-style: chr17-46694649-A-G. GRCh37 (hg19) VCF-style: chr17-44772015-A-G.
Other names: short protein forms N454S.
Identifiers: ClinVar variation 3769855 (VCV003769855.1).
Genomic context (GRCh38, chr17:46,694,649, plus strand): 5'-AGAATTTCAGTGGTGCTGAATTGGAGGGTCTGGTGCGAGCAGCCCAGTCCACTGCTATGA[A>G]TAGACACATAAAGGTCAGGAAAATCAGCTAAACAGATTATAAACATTATGCCAGTATTCT-3'
Protein context (NP_006169.2, residues 444-464): LVRAAQSTAM[Asn454Ser]RHIKASTKVE